The following is an entry in ClinVar:

ClinVar aggregate classification (germline): Uncertain significance (1 of 4 stars; one submission).

Submission:

Labcorp Genetics (formerly Invitae), Labcorp
Classification: Uncertain significance. Last evaluated: 2026-01-11. Review status: criteria provided, single submitter. Criteria: Invitae Variant Classification Sherloc (09022015). Collection method: clinical testing. Allele origin: germline.
Comment: This sequence change creates a premature translational stop signal (p.Glu1368*) in the SAMD9 gene. While this is not anticipated to result in nonsense mediated decay, it is expected to disrupt the last 222 amino acid(s) of the SAMD9 protein. This variant is not present in population databases (gnomAD no frequency). This variant has not been reported in the literature in individuals affected with SAMD9-related conditions. In summary, the available evidence is currently insufficient to determine the role of this variant in disease. Therefore, it has been classified as a Variant of Uncertain Significance.

NM_017654.4(SAMD9):c.4102G>T (p.Glu1368Ter)

Gene: SAMD9 (sterile alpha motif domain containing 9; minus strand). Cytogenetic location: 7q21.2.
Variant type: single nucleotide variant.
Coding change: c.4102G>T on transcript NM_017654.4 (MANE Select); coding-DNA position 4102, G replaced by T.
Protein change: p.Glu1368Ter; replaces glutamic acid 1368 with a stop codon.
Molecular consequence: nonsense.
Genome position (GRCh38, 1-based): chr7:93,101,996, C>A on the plus strand (G>T on the coding strand, the complement: SAMD9 is on the minus strand). VCF-style: chr7-93101996-C-A. GRCh37 (hg19) VCF-style: chr7-92731309-C-A.
Other names: c.4102G>T, p.Glu1368Ter (NM_001193307.2); short protein forms E1368*.
Identifiers: ClinVar variation 4718002 (VCV004718002.1).